The following is an entry in ClinVar:

ClinVar aggregate classification (germline): Conflicting classifications of pathogenicity. Review status: criteria provided, conflicting classifications (1 of 4 stars). 8 submissions from 8 submitters: Uncertain significance (3); Likely benign (5). Last evaluated 2026-09-18.

Conditions:
Classic or attenuated familial adenomatous polyposis. Identifiers: MedGen CN372698, MONDO:0021057.
Familial adenomatous polyposis 1 (FAP1). Also called: FAMILIAL ADENOMATOUS POLYPOSIS 1, ATTENUATED; POLYPOSIS, ADENOMATOUS INTESTINAL. Identifiers: MedGen C2713442, MONDO:0021056, OMIM 175100. Disease mechanism: loss of function.
APC-related disorder. Also called: APC-related condition.
APC-Associated Polyposis Disorders.
Hereditary cancer-predisposing syndrome. Also called: Hereditary neoplastic syndrome; Neoplastic Syndromes, Hereditary; Hereditary Cancer Syndrome; Tumor predisposition. Identifiers: Orphanet 140162, MedGen C0027672, MeSH D009386, MONDO:0015356.

Allele frequency attached by ClinVar (database versions not stated): TOPMed below 0.00001; gnomAD 0.00001; gnomAD exomes 0.00001 and 0.00002.
gnomAD v4.1: 8 of 1,613,876 alleles (0.0005%); highest among the groups gnomAD compares: Non-Finnish European, 0.000085%; no homozygotes.

Submissions (8):

PreventionGenetics, part of Exact Sciences
Classification: Likely benign for APC-related condition. Last evaluated: 2026-09-18. Review status: criteria provided, single submitter. Criteria: ACMG Guidelines, 2015. Collection method: clinical testing. Allele origin: germline.
Comment: This variant is classified as likely benign based on ACMG/AMP sequence variant interpretation guidelines (Richards et al. 2015 PMID: 25741868, with internal and published modifications).

Institute for Biomarker Research, Medical Diagnostic Laboratories, L.L.C.
Classification: Uncertain significance for Hereditary cancer-predisposing syndrome. Last evaluated: 2026-04-13. Review status: criteria provided, single submitter. Criteria: ACMG Guidelines, 2015. Collection method: clinical testing. Allele origin: germline.
Comment: The missense variant NM_000038.6(APC):c.7903A>G (p.Thr2635Ala) has not been reported previously as a pathogenic variant nor as a benign variant, to our knowledge (Accession: VCV000350423.27).There is a small physicochemical difference between threonine and alanine, which is not likely to impact secondary protein structure as these residues share similar properties. For these reasons, this variant has been classified as Uncertain Significance.

Labcorp Genetics (formerly Invitae), Labcorp
Classification: Likely benign for Familial adenomatous polyposis 1. Last evaluated: 2025-08-07. Review status: criteria provided, single submitter. Criteria: Invitae Variant Classification Sherloc (09022015). Collection method: clinical testing. Allele origin: germline.

Color Diagnostics, LLC DBA Color Health
Classification: Likely benign for Hereditary cancer-predisposing syndrome. Last evaluated: 2024-09-24. Review status: criteria provided, single submitter. Criteria: ACMG Guidelines, 2015. Collection method: clinical testing. Allele origin: germline.

All of Us Research Program, National Institutes of Health
Classification: Likely benign for Classic or attenuated familial adenomatous polyposis. Last evaluated: 2024-07-20. Review status: criteria provided, single submitter. Criteria: ACMG Guidelines, 2015. Collection method: clinical testing. Allele origin: germline. Inheritance: Autosomal dominant inheritance. Observed: 7 variant alleles, 7 heterozygotes.
Comment: This study involves interpretation of variants in research participants for the purpose of population health screening. Participant phenotype was not available at the time of variant classification. Additional details can be found in publication PMID: 35346344, PMCID: PMC8962531

Illumina Laboratory Services, Illumina
Classification: Uncertain significance for APC-Associated Polyposis Disorders. Last evaluated: 2018-01-12. Review status: criteria provided, single submitter. Criteria: ICSL Variant Classification Criteria 13 December 2019. Collection method: clinical testing. Allele origin: germline.

Ambry Genetics
Classification: Likely benign for Hereditary cancer-predisposing syndrome. Last evaluated: 2017-07-07. Review status: criteria provided, single submitter. Criteria: Ambry Variant Classification Scheme 2023. Collection method: clinical testing. Allele origin: germline.

GeneDx
Classification: Uncertain significance. Last evaluated: 2016-09-06. Review status: criteria provided, single submitter. Criteria: GeneDx Variant Classification (06012015). Collection method: clinical testing. Allele origin: germline. Affected: yes.
Comment: This variant is denoted APC c.7903A>G at the cDNA level, p.Thr2635Ala (T2635A) at the protein level, and results in the change of a Threonine to an Alanine (ACA>GCA). This variant has not, to our knowledge, been published in the literature as pathogenic or benign. APC Thr2635Ala was not observed in approximately 6,500 individuals of European and African American ancestry in the NHLBI Exome Sequencing Project, suggesting it is not a common benign variant in these populations. Since Threonine and Alanine differ in polarity, charge, size or other properties, this is considered a non-conservative amino acid substitution. APC Thr2635Ala occurs at a position that is not conserved and is within the EB1 binding domain (Azzopardi 2008). In silico analyses predict that this variant is unlikely to alter protein structure or function. Based on currently available evidence, it is unclear whether APC Thr2635Ala is a pathogenic or benign variant. We consider it to be a variant of uncertain significance.

NM_000038.6(APC):c.7903A>G (p.Thr2635Ala)

Gene: APC (APC regulator of Wnt signaling pathway; plus strand). Cytogenetic location: 5q22.2.
Variant type: single nucleotide variant.
Coding change: c.7903A>G on transcript NM_000038.6 (MANE Select); coding-DNA position 7903, A replaced by G.
Protein change: p.Thr2635Ala; replaces threonine 2635 with alanine.
Molecular consequence: missense variant.
Genome position (GRCh38, 1-based): chr5:112,843,497, A>G. VCF-style: chr5-112843497-A-G. GRCh37 (hg19) VCF-style: chr5-112179194-A-G.
Other names: c.7903A>G, p.Thr2635Ala (NM_001127510.3, NM_001354895.2); c.7849A>G, p.Thr2617Ala (NM_001127511.3); c.7957A>G, p.Thr2653Ala (NM_001354896.2); c.7933A>G, p.Thr2645Ala (NM_001354897.2); c.7828A>G, p.Thr2610Ala (NM_001354898.2); c.7819A>G, p.Thr2607Ala (NM_001354899.2); c.7780A>G, p.Thr2594Ala (NM_001354900.2); c.7726A>G, p.Thr2576Ala (NM_001354901.2); and 5 more; short protein forms T2635A, T2617A, T2509A, T2534A, T2607A, T2352A, T2475A, T2610A.
Identifiers: ClinVar variation 350423 (VCV000350423.29), dbSNP rs886059799, ClinGen allele CA10622269.